The following is an entry in ClinVar:

ClinVar aggregate classification (germline): Likely pathogenic (1 of 4 stars; one submission).

Conditions:
NLRP7-related disorder. Also called: NLRP7-related condition.

Submission:

PreventionGenetics, part of Exact Sciences
Classification: Likely pathogenic for NLRP7-related condition. Last evaluated: 2025-05-30. Review status: criteria provided, single submitter. Criteria: ACMG Guidelines, 2015. Collection method: clinical testing. Allele origin: germline.
Comment: The NLRP7 c.2792_2793delGT variant is predicted to result in premature protein termination (p.Cys931*). This variant (reported as c.2791_2792delTG, p.Cys931X) has been identified with another variant in NLRP7 (p.Pro716Ala) in an individual with a partial hydatidiform mole and spontaneous abortion (Supplementary Table 2, Messaed et al. 2011. PubMed ID: 21659348). This variant is reported in 0.0058% of alleles in individuals of Latino descent in gnomAD. Frameshift variants in NLRP7 are expected to be pathogenic. This variant is interpreted as likely pathogenic.

NM_001127255.2(NLRP7):c.2792_2793del (p.Asn930_Cys931insTer)

Genes: NCR1 (natural cytotoxicity triggering receptor 1), NLRP7 (NLR family pyrin domain containing 7; minus strand). Cytogenetic location: 19q13.42.
Variant type: Deletion.
Coding change: c.2792_2793del on transcript NM_001127255.2 (MANE Select); coding-DNA positions 2792 to 2793, 2 bases deleted (GT; older notation c.2792_2793delGT).
Protein change: p.Asn930_Cys931insTer.
Molecular consequence: nonsense.
Genome position (GRCh38, 1-based): chr19:54,930,516-54,930,517, AC deleted on the plus strand (GT on the coding strand, the reverse complement: NLRP7 is on the minus strand); deleting any 2 consecutive bases within chr19:54,930,516-54,930,518 gives the same sequence; the c. name uses the placement nearest the transcript's 3' end. VCF-style (leftmost placement, unchanged base first): chr19-54930515-TAC-T. GRCh37 (hg19) VCF-style: chr19-55441883-TAC-T.
Other names: c.2792_2793del, p.Asn930_Cys931insTer (NM_001405531.1, NM_206828.4); c.2708_2709del, p.Asn902_Cys903insTer (NM_139176.4).
Identifiers: ClinVar variation 4979385 (VCV004979385.1).